The following is an entry in ClinVar:

ClinVar aggregate classification (germline): Conflicting classifications of pathogenicity. Review status: criteria provided, conflicting classifications (1 of 4 stars). 6 submissions from 6 submitters: Uncertain significance (5); Likely benign (1). Last evaluated 2025-12-31.

Conditions:
Neuropathy, hereditary sensory, type 2C. Also called: Hereditary sensory and autonomic neuropathy type IIC; KIF1A-Related HSAN2 (HSAN2C). Identifiers: Orphanet 970, MedGen C3280168, MONDO:0013634, OMIM 614213.
Hereditary spastic paraplegia 30. Identifiers: Orphanet 101010, MedGen C5235139, MONDO:0012476.
Intellectual disability, autosomal dominant 9 (NESCAVS). Also called: NESCAV SYNDROME; KIF1A-Related Neurodevelopmental Disorder. Identifiers: Orphanet 662367, MedGen C5393830, MONDO:0013656, OMIM 614255.

Allele frequency attached by ClinVar (database versions not stated): gnomAD 0.00005 and 0.00006; TOPMed 0.00006; ExAC 0.00008; ESP Exome Variant Server 0.00008.
gnomAD v4.1: 89 of 1,601,678 alleles (0.0056%); highest among the groups gnomAD compares: Middle Eastern, 0.05%; no homozygotes.

Submissions (6):

Labcorp Genetics (formerly Invitae), Labcorp
Classification: Uncertain significance for Hereditary spastic paraplegia 30; Neuropathy, hereditary sensory, type 2C; Intellectual disability, autosomal dominant 9. Last evaluated: 2025-12-31. Review status: criteria provided, single submitter. Criteria: Invitae Variant Classification Sherloc (09022015). Collection method: clinical testing. Allele origin: germline.
Comment: This sequence change falls in intron 9 of the KIF1A gene. It does not directly change the encoded amino acid sequence of the KIF1A protein. It affects a nucleotide within the consensus splice site. This variant is present in population databases (rs111507743, gnomAD 0.01%). This variant has not been reported in the literature in individuals affected with KIF1A-related conditions. ClinVar contains an entry for this variant (Variation ID: 211300). Variants that disrupt the consensus splice site are a relatively common cause of aberrant splicing (PMID: 17576681, 9536098). Algorithms developed to predict the effect of sequence changes on RNA splicing suggest that this variant is not likely to affect RNA splicing. In summary, the available evidence is currently insufficient to determine the role of this variant in disease. Therefore, it has been classified as a Variant of Uncertain Significance.

CeGaT Center for Human Genetics Tuebingen
Classification: Uncertain significance. Last evaluated: 2023-06-01. Review status: criteria provided, single submitter. Criteria: CeGaT Center For Human Genetics Tuebingen Variant Classification Criteria Version 2. Collection method: clinical testing. Allele origin: germline. Affected: yes. Observed: 2 variant alleles.
Comment: KIF1A: PM2, BP4

GeneDx
Classification: Likely benign. Last evaluated: 2019-02-08. Review status: criteria provided, single submitter. Criteria: GeneDx Variant Classification Process June 2021. Collection method: clinical testing. Allele origin: germline. Affected: yes.

Illumina Laboratory Services, Illumina
Classification: Uncertain significance for Spastic paraplegia 30A, autosomal dominant. Last evaluated: 2018-01-12. Review status: criteria provided, single submitter. Criteria: ICSL Variant Classification Criteria 13 December 2019. Collection method: clinical testing. Allele origin: germline.

Genetic Services Laboratory, University of Chicago
Classification: Uncertain significance. Last evaluated: 2015-04-23. Review status: criteria provided, single submitter. Criteria: ACMG Guidelines, 2015. Collection method: clinical testing. Allele origin: germline.

Neuberg Centre For Genomic Medicine, NCGM
Classification: Uncertain significance for Spastic paraplegia 30A, autosomal dominant. Review status: criteria provided, single submitter. Criteria: ACMG Guidelines, 2015. Collection method: clinical testing. Allele origin: germline. Inheritance: Autosomal dominant inheritance. Affected: yes.
Comment: The splice site variant c.883-3C>T in KIF1A gene has not been reported previously as a pathogenic variant nor as a benign variant, to our knowledge. This variant has been reported to the ClinVar database as Uncertain significance. The variant is novel (not in any individuals) in 1000 Genomes and allele frequency of 0.006% is reported in gnomAD. For these reasons, this variant has been classified as Uncertain Significance.

Literature cited by the submitters: PubMed 17576681 (cited by Labcorp Genetics (formerly Invitae), Labcorp); PubMed 9536098 (cited by Labcorp Genetics (formerly Invitae), Labcorp).

NM_001244008.2(KIF1A):c.883-3C>T

Gene: KIF1A (kinesin family member 1A; minus strand). Cytogenetic location: 2q37.3.
Variant type: single nucleotide variant.
Coding change: c.883-3C>T on transcript NM_001244008.2 (MANE Select); 3 bases into the intron before coding-DNA position 883, C replaced by T.
Molecular consequence: intron variant.
Genome position (GRCh38, 1-based): chr2:240,775,929, G>A on the plus strand (C>T on the coding strand, the complement: KIF1A is on the minus strand). VCF-style: chr2-240775929-G-A. GRCh37 (hg19) VCF-style: chr2-241715346-G-A.
Other names: c.883-3C>T (NM_001379653.1, NM_001379650.1, NM_001379645.1 and 20 more transcripts).
Identifiers: ClinVar variation 211300 (VCV000211300.63), dbSNP rs111507743, ClinGen allele CA208265.